The following is an entry in ClinVar:

NM_000458.4(HNF1B):c.708C>T (p.Phe236=)

Genes: HNF1B (HNF1 homeobox B; minus strand), LOC126862549 (BRD4-independent group 4 enhancer GRCh37_chr17:36093401-36094600; plus strand). Cytogenetic location: 17q12.
Variant type: single nucleotide variant.
Coding change: c.708C>T on transcript NM_000458.4 (MANE Select); coding-DNA position 708, C replaced by T.
Protein change: p.Phe236=; no amino-acid change (phenylalanine 236 retained).
Molecular consequence: synonymous variant.
Genome position (GRCh38, 1-based): chr17:37,733,658, G>A on the plus strand (C>T on the coding strand, the complement: HNF1B is on the minus strand). VCF-style: chr17-37733658-G-A. GRCh37 (hg19) VCF-style: chr17-36093651-G-A.
Other names: c.630C>T, p.Phe210= (NM_001165923.4, NM_001304286.2).
Identifiers: ClinVar variation 635663 (VCV000635663.1), dbSNP rs2511809229, ClinGen allele CA499602779.

ClinVar aggregate classification (germline): Likely benign (1 of 4 stars; one submission).

Conditions:
Renal cysts and diabetes syndrome (RCAD). Also called: Familial hypoplastic, glomerulocystic kidney; MATURITY-ONSET DIABETES OF THE YOUNG, TYPE 5. Identifiers: Orphanet 93111, MedGen C0431693, MONDO:0007669, OMIM 137920.

Submission:

Institute of Human Genetics, FAU Erlangen, Friedrich-Alexander-Universität Erlangen-Nürnberg
Classification: Likely benign for Renal cysts and diabetes syndrome. Last evaluated: 2019-07-06. Review status: criteria provided, single submitter. Criteria: ACMG Guidelines, 2015. Collection method: literature only. Allele origin: germline. Affected: yes.
Comment: This variant and it's classification has been reported by Vasileiou et al. 2019; DOI:10.1101/576918. The variants has previously been reported in PMID:24897035 as "c.708 C>T p.Phe236Leu" with clinical significance Pathogenic. It has been re-classified using InterVar and manual curation as Likely benign based on PM2 BP4 BP7.

Literature cited by the submitters: PubMed 24897035; DOI 10.1101/576918.